The following is an entry in ClinVar:

NM_005902.4(SMAD3):c.*1423C>T

Gene: SMAD3 (SMAD family member 3; plus strand). Cytogenetic location: 15q22.33.
Variant type: single nucleotide variant.
Coding change: c.*1423C>T on transcript NM_005902.4 (MANE Select); 1423 bases downstream of the stop codon, C replaced by T.
Molecular consequence: 3 prime UTR variant.
Genome position (GRCh38, 1-based): chr15:67,191,959, C>T. VCF-style: chr15-67191959-C-T. GRCh37 (hg19) VCF-style: chr15-67484297-C-T.
Other names: c.*1423C>T (NM_001145102.2, NM_001145103.2, NM_001145104.2).
Identifiers: ClinVar variation 316902 (VCV000316902.7), dbSNP rs2278670, ClinGen allele CA10646514.

ClinVar aggregate classification (germline): Benign. Review status: criteria provided, multiple submitters, no conflicts (2 of 4 stars). 2 submissions from 2 submitters: Benign (2). Last evaluated 2018-01-13.

Conditions:
Aneurysm-osteoarthritis syndrome. Also called: SMAD3-Related Loeys-Dietz Syndrome; Loeys-Dietz syndrome, type 1C; ANEURYSMS-OSTEOARTHRITIS SYNDROME; LOEYS-DIETZ SYNDROME WITH OSTEOARTHRITIS. Identifiers: Orphanet 284984, MedGen C3151087, MONDO:0013426, OMIM 613795.

Allele frequency attached by ClinVar (database versions not stated): gnomAD 0.19250 and 0.20087; TOPMed 0.20703; 1000 Genomes Project 30x 0.24719; 1000 Genomes Project 0.25280; gnomAD exomes 0.26785.

Submissions (2):

Illumina Laboratory Services, Illumina
Classification: Benign for Aneurysm-osteoarthritis syndrome. Last evaluated: 2018-01-13. Review status: criteria provided, single submitter. Criteria: ICSL Variant Classification Criteria 13 December 2019. Collection method: clinical testing. Allele origin: germline.
Comment: This variant was observed in the ICSL laboratory as part of a predisposition screen in an ostensibly healthy population. It had not been previously curated by ICSL or reported in the Human Gene Mutation Database (HGMD: prior to June 1st, 2018), and was therefore a candidate for classification through an automated scoring system. Utilizing variant allele frequency, disease prevalence and penetrance estimates, and inheritance mode, an automated score was calculated to assess if this variant is too frequent to cause the disease. Based on the score and internal cut-off values, a variant classified as benign is not then subjected to further curation. The score for this variant resulted in a classification of benign for this disease.

Breakthrough Genomics
Classification: Benign. Review status: criteria provided, single submitter. Criteria: ACMG Guidelines, 2015. Collection method: not provided. Allele origin: germline. Inheritance: Autosomal dominant inheritance. Affected: yes.